The following is an entry in ClinVar:

ClinVar aggregate classification (germline): Benign/Likely benign. Review status: criteria provided, multiple submitters, no conflicts (2 of 4 stars). 5 submissions from 5 submitters: Benign (1); Likely benign (3). 1 of the submissions does not count toward it. Last evaluated 2025-12-23.

Conditions:
COQ8A-related disorder. Also called: COQ8A-related condition.

Allele frequency attached by ClinVar (database versions not stated): ESP Exome Variant Server 0.00008; gnomAD 0.00011; TOPMed 0.00018; gnomAD exomes 0.00025; ExAC 0.00058.
gnomAD v4.1: 304 of 1,604,912 alleles (0.019%); highest among the groups gnomAD compares: Non-Finnish European, 0.019%; no homozygotes.

Submissions (5):

Labcorp Genetics (formerly Invitae), Labcorp
Classification: Likely benign. Last evaluated: 2025-12-23. Review status: criteria provided, single submitter. Criteria: Invitae Variant Classification Sherloc (09022015). Collection method: clinical testing. Allele origin: germline.

Blueprint Genetics
Classification: Likely benign. Last evaluated: 2024-09-13. Review status: criteria provided, single submitter. Criteria: ACMG Guidelines, 2015. Collection method: clinical testing. Allele origin: germline.

Athena Diagnostics
Classification: Benign. Last evaluated: 2020-04-03. Review status: criteria provided, single submitter. Criteria: Athena Diagnostics Criteria. Collection method: clinical testing. Allele origin: unknown.

GeneDx
Classification: Likely benign. Last evaluated: 2019-09-10. Review status: criteria provided, single submitter. Criteria: GeneDx Variant Classification Process June 2021. Collection method: clinical testing. Allele origin: germline. Affected: yes.

PreventionGenetics, part of Exact Sciences
Classification: Likely benign for COQ8A-related condition. Last evaluated: 2019-02-19. Review status: no assertion criteria provided. Collection method: clinical testing. Allele origin: germline. Not counted in ClinVar's aggregate classification.
Comment: This variant is classified as likely benign based on ACMG/AMP sequence variant interpretation guidelines (Richards et al. 2015 PMID: 25741868, with internal and published modifications).

NM_020247.5(COQ8A):c.1011C>T (p.Ala337=)

Gene: COQ8A (coenzyme Q8A; plus strand). Cytogenetic location: 1q42.13.
Variant type: single nucleotide variant.
Coding change: c.1011C>T on transcript NM_020247.5 (MANE Select); coding-DNA position 1011, C replaced by T.
Protein change: p.Ala337=; no amino-acid change (alanine 337 retained).
Molecular consequence: synonymous variant.
Genome position (GRCh38, 1-based): chr1:226,982,965, C>T. VCF-style: chr1-226982965-C-T. GRCh37 (hg19) VCF-style: chr1-227170666-C-T.
Identifiers: ClinVar variation 446785 (VCV000446785.10), dbSNP rs36006006, ClinGen allele CA1425266.